The following is an entry in ClinVar:

ClinVar aggregate classification (germline): Uncertain significance (1 of 4 stars; one submission).

Submission:

Women's Health and Genetics/Laboratory Corporation of America, LabCorp
Classification: Uncertain significance. Last evaluated: 2023-05-23. Review status: criteria provided, single submitter. Criteria: LabCorp Variant Classification Summary - May 2015. Collection method: clinical testing. Allele origin: germline.
Comment: Variant summary: MEN1 c.689G>T (p.Cys230Phe) results in a non-conservative amino acid change in the encoded protein sequence. Five of five in-silico tools predict a damaging effect of the variant on protein function. The variant was absent in 251300 control chromosomes (gnomAD). The available data on variant occurrences in the general population are insufficient to allow any conclusion about variant significance. To our knowledge, no occurrence of c.689G>T in individuals affected with Multiple Endocrine Neoplasia Type 1 and no experimental evidence demonstrating its impact on protein function have been reported. No clinical diagnostic laboratories have submitted clinical-significance assessments for this variant to ClinVar after 2014. Based on the evidence outlined above, the variant was classified as uncertain significance.

NM_001370259.2(MEN1):c.689G>T (p.Cys230Phe)

Gene: MEN1 (menin 1; minus strand). Cytogenetic location: 11q13.1.
Variant type: single nucleotide variant.
Coding change: c.689G>T on transcript NM_001370259.2 (MANE Select); coding-DNA position 689, G replaced by T.
Protein change: p.Cys230Phe; replaces cysteine 230 with phenylalanine.
Molecular consequence: missense variant. On other transcripts: non-coding transcript variant (4).
Genome position (GRCh38, 1-based): chr11:64,807,646, C>A on the plus strand (G>T on the coding strand, the complement: MEN1 is on the minus strand). VCF-style: chr11-64807646-C-A. GRCh37 (hg19) VCF-style: chr11-64575118-C-A.
Other names: c.704G>T, p.Cys235Phe (NM_000244.4, NM_001407145.1, NM_001407150.1 and 5 more transcripts); c.689G>T, p.Cys230Phe (NM_001370251.2, NM_001370260.2, NM_001370261.2 and 7 more transcripts); c.584G>T, p.Cys195Phe (NM_001370262.2, NM_001370263.2, NM_001407148.1 and 2 more transcripts); short protein forms C195F, C230F, C235F.
Identifiers: ClinVar variation 2506076 (VCV002506076.1), dbSNP rs2136142515, ClinGen allele CA381184646.